The following is an entry in ClinVar:

NM_001267550.2(TTN):c.23098+1G>T

Gene: TTN (titin; minus strand). Cytogenetic location: 2q31.2.
Variant type: single nucleotide variant.
Coding change: c.23098+1G>T on transcript NM_001267550.2 (MANE Select); the canonical splice donor site of the intron after coding-DNA position 23098, G replaced by T.
Molecular consequence: splice donor variant. On other transcripts: intron variant (3).
Genome position (GRCh38, 1-based): chr2:178,720,920, C>A on the plus strand (G>T on the coding strand, the complement: TTN is on the minus strand). VCF-style: chr2-178720920-C-A. GRCh37 (hg19) VCF-style: chr2-179585647-C-A.
Other names: c.13282+17162G>T (NM_003319.4); c.13858+17162G>T (NM_133437.4); c.13657+17162G>T (NM_133432.3); c.19366+1G>T (NM_133378.4); c.22147+1G>T (NM_001256850.1).
Identifiers: ClinVar variation 1056058 (VCV001056058.10), dbSNP rs2154300949, ClinGen allele CA349516212.

ClinVar aggregate classification (germline): Conflicting classifications of pathogenicity. Review status: criteria provided, conflicting classifications (1 of 4 stars). 2 submissions from 2 submitters: Likely pathogenic (1); Uncertain significance (1). Last evaluated 2024-10-18.

Conditions:
Hypertrophic cardiomyopathy 9. Also called: Familial hypertrophic cardiomyopathy 9. Identifiers: MedGen C1861065, MONDO:0013412, OMIM 613765.
Tibial muscular dystrophy (TMD). Also called: UDD MYOPATHY; Udd Distal Myopathy – Tibial Muscular Dystrophy; Tibial muscular dystrophy, tardive. Identifiers: Orphanet 609, MedGen C1838244, MONDO:0010870, OMIM 600334.
Early-onset myopathy with fatal cardiomyopathy (CMYO5). Also called: Salih Myopathy; CONGENITAL MYOPATHY 5 WITH CARDIOMYOPATHY. Identifiers: Orphanet 289377, MedGen C2673677, MONDO:0012714, OMIM 611705. Disease mechanism: loss of function.
Myopathy, myofibrillar, 9, with early respiratory failure (MFM9). Also called: MYOPATHY, PROXIMAL, WITH EARLY RESPIRATORY MUSCLE INVOLVEMENT; Hereditary myopathy with early respiratory failure; EDSTROM MYOPATHY; Myopathy, distal, with early respiratory failure, autosomal dominant. Identifiers: Orphanet 178464, Orphanet 34521, MedGen C1863599, MONDO:0011362, OMIM 603689.
Dilated cardiomyopathy 1G (CMD1G). Identifiers: Orphanet 154, MedGen C1858763, MONDO:0011400, OMIM 604145.
Autosomal recessive limb-girdle muscular dystrophy type 2J (LGMDR10). Also called: Limb-girdle muscular dystrophy, type 2J; MUSCULAR DYSTROPHY, LIMB-GIRDLE, AUTOSOMAL RECESSIVE 10. Identifiers: Orphanet 140922, MedGen C1837342, MONDO:0012127, OMIM 608807.

Submissions (2):

Labcorp Genetics (formerly Invitae), Labcorp
Classification: Likely pathogenic for Dilated cardiomyopathy 1G; Autosomal recessive limb-girdle muscular dystrophy type 2J. Last evaluated: 2024-10-18. Review status: criteria provided, single submitter. Criteria: Invitae Variant Classification Sherloc (09022015). Collection method: clinical testing. Allele origin: germline.
Comment: This sequence change affects a donor splice site in intron 79 of the TTN gene. It is expected to disrupt RNA splicing and likely results in a truncated or disrupted TTN protein. This variant is not present in population databases (gnomAD no frequency). This variant has not been reported in the literature in individuals affected with TTN-related conditions. ClinVar contains an entry for this variant (Variation ID: 1056058). Algorithms developed to predict the effect of sequence changes on RNA splicing suggest that this variant may disrupt the consensus splice site. This variant is located in the I band of TTN (PMID: 25589632). Truncating variants in this region have been reported in individuals affected with autosomal recessive centronuclear myopathy (PMID: 23975875, internal data). Truncating variants in this region have also been identified in individuals affected with autosomal dominant dilated cardiomyopathy and/or cardio-related conditions (PMID: 27869827, 32964742, internal data). In summary, the currently available evidence indicates that the variant is pathogenic, but additional data are needed to prove that conclusively. Therefore, this variant has been classified as Likely Pathogenic.

Fulgent Genetics
Classification: Uncertain significance for Tibial muscular dystrophy; Myopathy, myofibrillar, 9, with early respiratory failure; Dilated cardiomyopathy 1G; Autosomal recessive limb-girdle muscular dystrophy type 2J; Early-onset myopathy with fatal cardiomyopathy; Hypertrophic cardiomyopathy 9. Last evaluated: 2021-07-19. Review status: criteria provided, single submitter. Criteria: ACMG Guidelines, 2015. Collection method: clinical testing. Allele origin: unknown.

Literature cited by the submitters: PubMed 25589632 (cited by Labcorp Genetics (formerly Invitae), Labcorp); PubMed 23975875 (cited by Labcorp Genetics (formerly Invitae), Labcorp); PubMed 27869827 (cited by Labcorp Genetics (formerly Invitae), Labcorp); PubMed 32964742 (cited by Labcorp Genetics (formerly Invitae), Labcorp).